The following is an entry in ClinVar:

ClinVar aggregate classification (germline): Pathogenic (1 of 4 stars; one submission).

Conditions:
Epilepsy, familial focal, with variable foci 1 (FFEVF1). Also called: DEPDC5-Related Epilepsy. Identifiers: MedGen C4551983, MONDO:0024556, OMIM 604364.

Submission:

Institute of Human Genetics, University of Leipzig Medical Center
Classification: Pathogenic for Epilepsy, familial focal, with variable foci 1. Last evaluated: 2025-03-17. Review status: criteria provided, single submitter. Criteria: ACMG Guidelines, 2015. Collection method: clinical testing. Allele origin: unknown. Inheritance: Autosomal dominant inheritance. Affected: yes.
Comment: Criteria applied: PVS1,PS1,PM2

NM_001242896.3(DEPDC5):c.947-1G>C

Gene: DEPDC5 (DEP domain containing 5, GATOR1 subcomplex subunit; plus strand). Cytogenetic location: 22q12.3.
Variant type: single nucleotide variant.
Coding change: c.947-1G>C on transcript NM_001242896.3 (MANE Select); the canonical splice acceptor site of the intron before coding-DNA position 947, G replaced by C.
Molecular consequence: splice acceptor variant.
Genome position (GRCh38, 1-based): chr22:31,802,703, G>C. VCF-style: chr22-31802703-G-C. GRCh37 (hg19) VCF-style: chr22-32198689-G-C.
Other names: c.947-1G>C (NM_001364318.2, NM_001136029.4, NM_014662.6 and 7 more transcripts); c.863-1G>C (NM_001369902.1, NM_001369901.1).
Identifiers: ClinVar variation 3778703 (VCV003778703.1).
Genomic context (GRCh38, chr22:31,802,703, plus strand): 5'-CTGTGACAGGGTTCTGAAAAGCTGTAACATCATTATTGTGGAATTTTTGTTTTATTTCTA[G>C]TGTTTGATAAGCACTACATCAACCGCAACTTTGACCGAACTGGGCAGATGTCAGTGGTGA-3'